The following is an entry in ClinVar:

NM_000271.5(NPC1):c.1947+7C>G

Gene: NPC1 (NPC intracellular cholesterol transporter 1; minus strand). Cytogenetic location: 18q11.2.
Variant type: single nucleotide variant.
Coding change: c.1947+7C>G on transcript NM_000271.5 (MANE Select); 7 bases into the intron after coding-DNA position 1947, C replaced by G.
Molecular consequence: intron variant.
Genome position (GRCh38, 1-based): chr18:23,544,953, G>C on the plus strand (C>G on the coding strand, the complement: NPC1 is on the minus strand). VCF-style: chr18-23544953-G-C. GRCh37 (hg19) VCF-style: chr18-21124917-G-C.
Other names: c.1947+7C>G (NM_000271.4).
Identifiers: ClinVar variation 1101822 (VCV001101822.11), dbSNP rs56394541, ClinGen allele CA8913334.

ClinVar aggregate classification (germline): Likely benign. Review status: criteria provided, single submitter (1 of 4 stars). 2 submissions from 2 submitters: Likely benign (1). 1 of the submissions does not count toward it. Last evaluated 2026-02-02.

Conditions:
NPC1-related disorder. Also called: NPC1-related condition.
Niemann-Pick disease, type C1. Also called: NEUROVISCERAL STORAGE DISEASE WITH VERTICAL SUPRANUCLEAR OPHTHALMOPLEGIA; NIEMANN-PICK DISEASE WITH CHOLESTEROL ESTERIFICATION BLOCK; NIEMANN-PICK DISEASE WITHOUT SPHINGOMYELINASE DEFICIENCY; NIEMANN-PICK DISEASE, CHRONIC NEURONOPATHIC FORM; NIEMANN-PICK DISEASE, VARIANT TYPE C1. Identifiers: Orphanet 646, MedGen C3179455, MONDO:0009757, OMIM 257220.

Submissions (2):

Labcorp Genetics (formerly Invitae), Labcorp
Classification: Likely benign for Niemann-Pick disease, type C1. Last evaluated: 2026-02-02. Review status: criteria provided, single submitter. Criteria: Invitae Variant Classification Sherloc (09022015). Collection method: clinical testing. Allele origin: germline.

PreventionGenetics, part of Exact Sciences
Classification: Likely benign for NPC1-related condition. Last evaluated: 2022-08-31. Review status: no assertion criteria provided. Collection method: clinical testing. Allele origin: germline. Not counted in ClinVar's aggregate classification.
Comment: This variant is classified as likely benign based on ACMG/AMP sequence variant interpretation guidelines (Richards et al. 2015 PMID: 25741868, with internal and published modifications).